The following is an entry in ClinVar:

ClinVar aggregate classification (germline): Uncertain significance (1 of 4 stars; one submission).

Submission:

Labcorp Genetics (formerly Invitae), Labcorp
Classification: Uncertain significance. Last evaluated: 2022-11-17. Review status: criteria provided, single submitter. Criteria: Invitae Variant Classification Sherloc (09022015). Collection method: clinical testing. Allele origin: germline.
Comment: This variant has not been reported in the literature in individuals affected with HOXB13-related conditions. In summary, the available evidence is currently insufficient to determine the role of this variant in disease. Therefore, it has been classified as a Variant of Uncertain Significance. Algorithms developed to predict the effect of missense changes on protein structure and function are either unavailable or do not agree on the potential impact of this missense change (SIFT: "Tolerated"; PolyPhen-2: "Possibly Damaging"; Align-GVGD: "Class C0"). This variant is not present in population databases (gnomAD no frequency). This sequence change replaces aspartic acid, which is acidic and polar, with asparagine, which is neutral and polar, at codon 52 of the HOXB13 protein (p.Asp52Asn).

NM_006361.6(HOXB13):c.154G>A (p.Asp52Asn)

Gene: HOXB13 (homeobox B13; minus strand). Cytogenetic location: 17q21.32.
Variant type: single nucleotide variant.
Coding change: c.154G>A on transcript NM_006361.6 (MANE Select); coding-DNA position 154, G replaced by A.
Protein change: p.Asp52Asn; replaces aspartic acid 52 with asparagine.
Molecular consequence: missense variant.
Genome position (GRCh38, 1-based): chr17:48,728,440, C>T on the plus strand (G>A on the coding strand, the complement: HOXB13 is on the minus strand). VCF-style: chr17-48728440-C-T. GRCh37 (hg19) VCF-style: chr17-46805802-C-T.
Other names: short protein forms D52N.
Identifiers: ClinVar variation 2814866 (VCV002814866.3), dbSNP rs1597935002, ClinGen allele CA400109086.